The following is an entry in ClinVar:

NM_001378454.1(ALMS1):c.12359A>G (p.Lys4120Arg)

Gene: ALMS1 (ALMS1 centrosome and basal body associated protein; plus strand). Cytogenetic location: 2p13.1.
Variant type: single nucleotide variant.
Coding change: c.12359A>G on transcript NM_001378454.1 (MANE Select); coding-DNA position 12359, A replaced by G.
Protein change: p.Lys4120Arg; replaces lysine 4120 with arginine.
Molecular consequence: missense variant.
Genome position (GRCh38, 1-based): chr2:73,603,301, A>G. VCF-style: chr2-73603301-A-G. GRCh37 (hg19) VCF-style: chr2-73830428-A-G.
Other names: c.12362A>G, p.Lys4121Arg (NM_015120.4); short protein forms K4120R, K4121R.
Identifiers: ClinVar variation 2203587 (VCV002203587.4), dbSNP rs1675741163, ClinGen allele CA347271728.

ClinVar aggregate classification (germline): Uncertain significance (1 of 4 stars; one submission).

Conditions:
Alstrom syndrome (ALMS). Identifiers: Orphanet 64, MedGen C0268425, MONDO:0008763, OMIM 203800.

Allele frequency attached by ClinVar (database versions not stated): TOPMed below 0.00001.

Submission:

Labcorp Genetics (formerly Invitae), Labcorp
Classification: Uncertain significance for Alstrom syndrome. Last evaluated: 2024-07-21. Review status: criteria provided, single submitter. Criteria: Invitae Variant Classification Sherloc (09022015). Collection method: clinical testing. Allele origin: germline.
Comment: This sequence change replaces lysine, which is basic and polar, with arginine, which is basic and polar, at codon 4121 of the ALMS1 protein (p.Lys4121Arg). This variant is not present in population databases (gnomAD no frequency). This variant has not been reported in the literature in individuals affected with ALMS1-related conditions. ClinVar contains an entry for this variant (Variation ID: 2203587). An algorithm developed to predict the effect of missense changes on protein structure and function outputs the following: PolyPhen-2: "Not Available". The arginine amino acid residue is found in multiple mammalian species, which suggests that this missense change does not adversely affect protein function. In summary, the available evidence is currently insufficient to determine the role of this variant in disease. Therefore, it has been classified as a Variant of Uncertain Significance.